The following is an entry in ClinVar:

NM_001105206.3(LAMA4):c.1729T>C (p.Ser577Pro)

Gene: LAMA4 (laminin subunit alpha 4; minus strand). Cytogenetic location: 6q21.
Variant type: single nucleotide variant.
Coding change: c.1729T>C on transcript NM_001105206.3 (MANE Select); coding-DNA position 1729, T replaced by C.
Protein change: p.Ser577Pro; replaces serine 577 with proline.
Molecular consequence: missense variant.
Genome position (GRCh38, 1-based): chr6:112,158,820, A>G on the plus strand (T>C on the coding strand, the complement: LAMA4 is on the minus strand). VCF-style: chr6-112158820-A-G. GRCh37 (hg19) VCF-style: chr6-112480022-A-G.
Other names: c.1708T>C, p.Ser570Pro (NM_001105207.3, NM_002290.5); short protein forms S570P, S577P.
Identifiers: ClinVar variation 3383528 (VCV003383528.1).

ClinVar aggregate classification (germline): Uncertain significance (1 of 4 stars; one submission).

Submission:

GeneDx
Classification: Uncertain significance. Last evaluated: 2024-05-29. Review status: criteria provided, single submitter. Criteria: GeneDx Variant Classification Process June 2021. Collection method: clinical testing. Allele origin: germline. Affected: yes.
Comment: Not observed at significant frequency in large population cohorts (gnomAD); In silico analysis indicates that this missense variant does not alter protein structure/function; Has not been previously published as pathogenic or benign to our knowledge